The following is an entry in ClinVar:

NM_015259.6(ICOSLG):c.386A>C (p.Glu129Ala)

Gene: ICOSLG (inducible T cell costimulator ligand; minus strand). Cytogenetic location: 21q22.3.
Variant type: single nucleotide variant.
Coding change: c.386A>C on transcript NM_015259.6 (MANE Select); coding-DNA position 386, A replaced by C.
Protein change: p.Glu129Ala; replaces glutamic acid 129 with alanine.
Molecular consequence: missense variant. On other transcripts: intron variant (1).
Genome position (GRCh38, 1-based): chr21:44,236,887, T>G on the plus strand (A>C on the coding strand, the complement: ICOSLG is on the minus strand). VCF-style: chr21-44236887-T-G. GRCh37 (hg19) VCF-style: chr21-45656770-T-G.
Other names: c.386A>C, p.Glu129Ala (NM_001283050.2, NM_001395918.1); c.131A>C, p.Glu44Ala (NM_001283052.2); c.305A>C, p.Glu102Ala (NM_001365759.2); c.56-1325A>C (NM_001283051.2); short protein forms E44A, E102A, E129A.
Identifiers: ClinVar variation 3006818 (VCV003006818.3), dbSNP rs2517847505, ClinGen allele CA410615817.
Genomic context (GRCh38, chr21:44,236,887, plus strand): 5'-GCTGGGATGGACCTAGCTCTCCCCGCCTCGATGGTCCTACCTGCCACATGCAGTGTAACC[T>G]CAACGCTCAAAACCTCCTGGAATCCCAGGGATTGGCTCAACACCAGGCAGTGAAACTTCT-3'
Protein context (NP_056074.1, residues 119-139): SLGFQEVLSV[Glu129Ala]VTLHVAANFS

ClinVar aggregate classification (germline): Uncertain significance (1 of 4 stars; one submission).

Submission:

Labcorp Genetics (formerly Invitae), Labcorp
Classification: Uncertain significance. Last evaluated: 2023-09-06. Review status: criteria provided, single submitter. Criteria: Invitae Variant Classification Sherloc (09022015). Collection method: clinical testing. Allele origin: germline.
Comment: In summary, the available evidence is currently insufficient to determine the role of this variant in disease. Therefore, it has been classified as a Variant of Uncertain Significance. An algorithm developed to predict the effect of missense changes on protein structure and function (PolyPhen-2) suggests that this variant is likely to be tolerated. This variant has not been reported in the literature in individuals affected with ICOSLG-related conditions. This variant is not present in population databases (gnomAD no frequency). This sequence change replaces glutamic acid, which is acidic and polar, with alanine, which is neutral and non-polar, at codon 129 of the ICOSLG protein (p.Glu129Ala).